The following is an entry in ClinVar:

ClinVar aggregate classification (germline): Uncertain significance. Review status: criteria provided, multiple submitters, no conflicts (2 of 4 stars). 3 submissions from 3 submitters: Uncertain significance (3). Last evaluated 2024-01-11.

Conditions:
Tuberous sclerosis 2 (TSC2). Identifiers: Orphanet 805, MedGen C1860707, MONDO:0013199, OMIM 613254.
Hereditary cancer-predisposing syndrome. Also called: Neoplastic Syndromes, Hereditary; Hereditary Cancer Syndrome; Hereditary neoplastic syndrome; Tumor predisposition. Identifiers: Orphanet 140162, MedGen C0027672, MeSH D009386, MONDO:0015356.
Tuberous sclerosis syndrome (TSC). Also called: Tuberous Sclerosis Complex; Tuberous sclerosis. Identifiers: Orphanet 805, MedGen C0041341, MONDO:0001734.

Submissions (3):

All of Us Research Program, National Institutes of Health
Classification: Uncertain significance for Tuberous sclerosis syndrome. Last evaluated: 2024-01-11. Review status: criteria provided, single submitter. Criteria: ACMG Guidelines, 2015. Collection method: clinical testing. Allele origin: germline. Inheritance: Autosomal dominant inheritance. Observed: 1 variant allele, 1 heterozygote.
Comment: This study involves interpretation of variants in research participants for the purpose of population health screening. Participant phenotype was not available at the time of variant classification. Additional details can be found in publication PMID: 35346344, PMCID: PMC8962531

Labcorp Genetics (formerly Invitae), Labcorp
Classification: Uncertain significance for Tuberous sclerosis 2. Last evaluated: 2023-06-30. Review status: criteria provided, single submitter. Criteria: Invitae Variant Classification Sherloc (09022015). Collection method: clinical testing. Allele origin: germline.
Comment: This sequence change replaces histidine, which is basic and polar, with aspartic acid, which is acidic and polar, at codon 1670 of the TSC2 protein (p.His1670Asp). This variant is not present in population databases (gnomAD no frequency). This variant has not been reported in the literature in individuals affected with TSC2-related conditions. ClinVar contains an entry for this variant (Variation ID: 825367). Advanced modeling of protein sequence and biophysical properties (such as structural, functional, and spatial information, amino acid conservation, physicochemical variation, residue mobility, and thermodynamic stability) performed at Invitae indicates that this missense variant is not expected to disrupt TSC2 protein function. In summary, the available evidence is currently insufficient to determine the role of this variant in disease. Therefore, it has been classified as a Variant of Uncertain Significance.

Ambry Genetics
Classification: Uncertain significance for Hereditary cancer-predisposing syndrome. Last evaluated: 2018-10-26. Review status: criteria provided, single submitter. Criteria: Ambry Variant Classification Scheme 2023. Collection method: clinical testing. Allele origin: germline.
Comment: The p.H1670D variant (also known as c.5008C>G), located in coding exon 38 of the TSC2 gene, results from a C to G substitution at nucleotide position 5008. The histidine at codon 1670 is replaced by aspartic acid, an amino acid with similar properties. This amino acid position is not well conserved in available vertebrate species. In addition, this alteration is predicted to be deleterious by in silico analysis. Since supporting evidence is limited at this time, the clinical significance of this alteration remains unclear.

NM_000548.5(TSC2):c.5008C>G (p.His1670Asp)

Gene: TSC2 (TSC complex subunit 2; plus strand). Cytogenetic location: 16p13.3.
Variant type: single nucleotide variant.
Coding change: c.5008C>G on transcript NM_000548.5 (MANE Select); coding-DNA position 5008, C replaced by G.
Protein change: p.His1670Asp; replaces histidine 1670 with aspartic acid.
Molecular consequence: missense variant.
Genome position (GRCh38, 1-based): chr16:2,087,881, C>G. VCF-style: chr16-2087881-C-G. GRCh37 (hg19) VCF-style: chr16-2137882-C-G.
Other names: c.4807C>G, p.His1603Asp (NM_001077183.3); c.4939C>G, p.His1647Asp (NM_001114382.3); c.4699C>G, p.His1567Asp (NM_001318827.2); c.4663C>G, p.His1555Asp (NM_001318829.2); c.4276C>G, p.His1426Asp (NM_001318831.2); c.4840C>G, p.His1614Asp (NM_001318832.2); c.4810C>G, p.His1604Asp (NM_001363528.2); c.4876C>G, p.His1626Asp (NM_001370404.1); and 1 more; short protein forms H1604D, H1626D, H1426D, H1603D, H1614D, H1670D, H1627D, H1647D.
Identifiers: ClinVar variation 825367 (VCV000825367.8), dbSNP rs1596454994, ClinGen allele CA394311129.